The following is an entry in ClinVar:

NM_017986.4(SLC52A1):c.664C>T (p.Pro222Ser)

Gene: SLC52A1 (solute carrier family 52 member 1; minus strand). Cytogenetic location: 17p13.2.
Variant type: single nucleotide variant.
Coding change: c.664C>T on transcript NM_017986.4 (MANE Select); coding-DNA position 664, C replaced by T.
Protein change: p.Pro222Ser; replaces proline 222 with serine.
Molecular consequence: missense variant.
Genome position (GRCh38, 1-based): chr17:5,033,825, G>A on the plus strand (C>T on the coding strand, the complement: SLC52A1 is on the minus strand). VCF-style: chr17-5033825-G-A. GRCh37 (hg19) VCF-style: chr17-4937120-G-A.
Other names: c.664C>T, p.Pro222Ser (NM_001104577.2); short protein forms P222S.
Identifiers: ClinVar variation 3672593 (VCV003672593.2).

ClinVar aggregate classification (germline): Uncertain significance (1 of 4 stars; one submission).

Conditions:
Vitamin B2 deficiency. Identifiers: MedGen C0035528.

gnomAD v4.1: 12 of 1,614,154 alleles (0.00074%); highest among the groups gnomAD compares: South Asian, 0.0055%; no homozygotes.

Submission:

Labcorp Genetics (formerly Invitae), Labcorp
Classification: Uncertain significance for Vitamin B2 deficiency. Last evaluated: 2024-11-05. Review status: criteria provided, single submitter. Criteria: Invitae Variant Classification Sherloc (09022015). Collection method: clinical testing. Allele origin: germline.
Comment: This sequence change replaces proline, which is neutral and non-polar, with serine, which is neutral and polar, at codon 222 of the SLC52A1 protein (p.Pro222Ser). This variant is present in population databases (rs756249960, gnomAD 0.01%). This variant has not been reported in the literature in individuals affected with SLC52A1-related conditions. Invitae Evidence Modeling of protein sequence and biophysical properties (such as structural, functional, and spatial information, amino acid conservation, physicochemical variation, residue mobility, and thermodynamic stability) indicates that this missense variant is not expected to disrupt SLC52A1 protein function with a negative predictive value of 80%. In summary, the available evidence is currently insufficient to determine the role of this variant in disease. Therefore, it has been classified as a Variant of Uncertain Significance.